The following is an entry in ClinVar:

ClinVar aggregate classification (germline): Uncertain significance (1 of 4 stars; one submission).

Conditions:
Granulomatous disease, chronic, autosomal recessive, cytochrome b-positive, type 2. Also called: Chronic granulomatous disease due to deficiency of NCF-2; Chronic Granulomatous Disease, Autosomal Recessive, Cytochrome b-Positive, Type II; CGD, AUTOSOMAL RECESSIVE CYTOCHROME b-POSITIVE, TYPE II; GRANULOMATOUS DISEASE, CHRONIC, DUE TO NCF2 DEFICIENCY; GRANULOMATOUS DISEASE, CHRONIC, AUTOSOMAL RECESSIVE, 2. Identifiers: Orphanet 379, MedGen C1856245, MONDO:0009310, OMIM 233710.

Submission:

Labcorp Genetics (formerly Invitae), Labcorp
Classification: Uncertain significance for Granulomatous disease, chronic, autosomal recessive, cytochrome b-positive, type 2. Last evaluated: 2022-06-13. Review status: criteria provided, single submitter. Criteria: Invitae Variant Classification Sherloc (09022015). Collection method: clinical testing. Allele origin: germline.
Comment: Algorithms developed to predict the effect of missense changes on protein structure and function (SIFT, PolyPhen-2, Align-GVGD) all suggest that this variant is likely to be tolerated. In summary, the available evidence is currently insufficient to determine the role of this variant in disease. Therefore, it has been classified as a Variant of Uncertain Significance. Algorithms developed to predict the effect of sequence changes on RNA splicing suggest that this variant may disrupt the consensus splice site. This variant has not been reported in the literature in individuals affected with NCF2-related conditions. This variant is not present in population databases (gnomAD no frequency). This sequence change replaces threonine, which is neutral and polar, with isoleucine, which is neutral and non-polar, at codon 517 of the NCF2 protein (p.Thr517Ile).

NM_000433.4(NCF2):c.1550C>T (p.Thr517Ile)

Gene: NCF2 (neutrophil cytosolic factor 2; minus strand). Cytogenetic location: 1q25.3.
Variant type: single nucleotide variant.
Coding change: c.1550C>T on transcript NM_000433.4 (MANE Select); coding-DNA position 1550, C replaced by T.
Protein change: p.Thr517Ile; replaces threonine 517 with isoleucine.
Molecular consequence: missense variant.
Genome position (GRCh38, 1-based): chr1:183,556,149, G>A on the plus strand (C>T on the coding strand, the complement: NCF2 is on the minus strand). VCF-style: chr1-183556149-G-A. GRCh37 (hg19) VCF-style: chr1-183525284-G-A.
Other names: c.1550C>T, p.Thr517Ile (NM_001127651.3); c.1307C>T, p.Thr436Ile (NM_001190789.2); c.1415C>T, p.Thr472Ile (NM_001190794.2); c.1442C>T, p.Thr481Ile (NM_001410895.1); short protein forms T517I, T436I, T481I, T472I.
Identifiers: ClinVar variation 2005734 (VCV002005734.4), dbSNP rs2527873014, ClinGen allele CA343703286.
Genomic context (GRCh38, chr1:183,556,149, plus strand): 5'-TTCTTCAGCTTTGTAGTTTGTGAAACATCCTAGACTTCTCTCCGAGTGCTTTCCAAATCT[G>A]TAGTTGCGCAGTCTTCAACAAAAACTTTGGGGAAAATGCCCACCTTCCCTTTGCACTCCC-3'
Protein context (NP_000424.2, residues 507-526): PKVFVEDCAT[Thr517Ile]DLESTRREV